The following is an entry in ClinVar:

NM_000290.4(PGAM2):c.244G>T (p.Val82Leu)

Genes: DBNL (drebrin like; plus strand), PGAM2 (phosphoglycerate mutase 2; minus strand), LOC129998343 (ATAC-STARR-seq lymphoblastoid active region 25926; plus strand). Cytogenetic location: 7p13.
Variant type: single nucleotide variant.
Coding change: c.244G>T on transcript NM_000290.4 (MANE Select); coding-DNA position 244, G replaced by T.
Protein change: p.Val82Leu; replaces valine 82 with leucine.
Molecular consequence: missense variant. On other transcripts: 3 prime UTR variant (6).
Genome position (GRCh38, 1-based): chr7:44,065,286, C>A on the plus strand (G>T on the coding strand, the complement: PGAM2 is on the minus strand). VCF-style: chr7-44065286-C-A. GRCh37 (hg19) VCF-style: chr7-44104885-C-A.
Other names: c.*4370C>A (NM_001014436.3, NM_001122956.2, NM_001284313.2 and 3 more transcripts); short protein forms V82L.
Identifiers: ClinVar variation 360278 (VCV000360278.10), dbSNP rs528467394, ClinGen allele CA4236644.

ClinVar aggregate classification (germline): Uncertain significance. Review status: criteria provided, multiple submitters, no conflicts (2 of 4 stars). 3 submissions from 3 submitters: Uncertain significance (3). Last evaluated 2025-10-30.

Conditions:
Inborn genetic diseases. Identifiers: MedGen C0950123, MeSH D030342.
Glycogen storage disease type X (GSD10). Also called: MYOPATHY DUE TO PHOSPHOGLYCERATE MUTASE DEFICIENCY; PGAMM DEFICIENCY; PHOSPHOGLYCERATE MUTASE, MUSCLE, DEFICIENCY OF; GSD X; Dimauro disease; Glycogen storage disease due to phosphoglycerate mutase deficiency. Identifiers: Orphanet 97234, MedGen C0268149, MONDO:0009865, OMIM 261670.

Allele frequency attached by ClinVar (database versions not stated): ExAC 0.00002; TOPMed 0.00002.
gnomAD v4.1: 162 of 1,613,560 alleles (0.01%); highest among the groups gnomAD compares: Non-Finnish European, 0.014%; no homozygotes.

Submissions (3):

Ambry Genetics
Classification: Uncertain significance for Inborn genetic diseases. Last evaluated: 2025-10-30. Review status: criteria provided, single submitter. Criteria: Ambry Variant Classification Scheme 2023. Collection method: clinical testing. Allele origin: germline.

Labcorp Genetics (formerly Invitae), Labcorp
Classification: Uncertain significance for Glycogen storage disease type X. Last evaluated: 2023-08-30. Review status: criteria provided, single submitter. Criteria: Invitae Variant Classification Sherloc (09022015). Collection method: clinical testing. Allele origin: germline.
Comment: This sequence change replaces valine, which is neutral and non-polar, with leucine, which is neutral and non-polar, at codon 82 of the PGAM2 protein (p.Val82Leu). This variant is present in population databases (rs528467394, gnomAD 0.005%). In summary, the available evidence is currently insufficient to determine the role of this variant in disease. Therefore, it has been classified as a Variant of Uncertain Significance. Advanced modeling of protein sequence and biophysical properties (such as structural, functional, and spatial information, amino acid conservation, physicochemical variation, residue mobility, and thermodynamic stability) performed at Invitae indicates that this missense variant is not expected to disrupt PGAM2 protein function. ClinVar contains an entry for this variant (Variation ID: 360278). This variant has not been reported in the literature in individuals affected with PGAM2-related conditions.

Illumina Laboratory Services, Illumina
Classification: Uncertain significance for Glycogen storage disease type X. Last evaluated: 2018-01-12. Review status: criteria provided, single submitter. Criteria: ICSL Variant Classification Criteria 13 December 2019. Collection method: clinical testing. Allele origin: germline.